The following is an entry in ClinVar:

NM_021072.4(HCN1):c.1175A>C (p.His392Pro)

Gene: HCN1 (hyperpolarization activated cyclic nucleotide gated potassium channel 1; minus strand). Cytogenetic location: 5p12.
Variant type: single nucleotide variant.
Coding change: c.1175A>C on transcript NM_021072.4 (MANE Select); coding-DNA position 1175, A replaced by C.
Protein change: p.His392Pro; replaces histidine 392 with proline.
Molecular consequence: missense variant.
Genome position (GRCh38, 1-based): chr5:45,396,547, T>G on the plus strand (A>C on the coding strand, the complement: HCN1 is on the minus strand). VCF-style: chr5-45396547-T-G. GRCh37 (hg19) VCF-style: chr5-45396649-T-G.
Other names: short protein forms H392P.
Identifiers: ClinVar variation 2700055 (VCV002700055.3), dbSNP rs1739691309, ClinGen allele CA359705258.

ClinVar aggregate classification (germline): Uncertain significance (1 of 4 stars; one submission).

Conditions:
Early-infantile DEE. Also called: Ohtahara syndrome; Early infantile epileptic encephalopathy with suppression bursts; Early infantile epileptic encephalopathy. Identifiers: Orphanet 1934, MedGen C0393706, MONDO:0800491.

Submission:

Labcorp Genetics (formerly Invitae), Labcorp
Classification: Uncertain significance for Early-infantile DEE. Last evaluated: 2024-01-26. Review status: criteria provided, single submitter. Criteria: Invitae Variant Classification Sherloc (09022015). Collection method: clinical testing. Allele origin: germline.
Comment: This sequence change replaces histidine, which is basic and polar, with proline, which is neutral and non-polar, at codon 392 of the HCN1 protein (p.His392Pro). This variant is not present in population databases (gnomAD no frequency). This variant has not been reported in the literature in individuals affected with HCN1-related conditions. Advanced modeling of protein sequence and biophysical properties (such as structural, functional, and spatial information, amino acid conservation, physicochemical variation, residue mobility, and thermodynamic stability) performed at Invitae indicates that this missense variant is expected to disrupt HCN1 protein function with a positive predictive value of 80%. In summary, the available evidence is currently insufficient to determine the role of this variant in disease. Therefore, it has been classified as a Variant of Uncertain Significance.